The following is an entry in ClinVar:

ClinVar aggregate classification (germline): Uncertain significance (1 of 4 stars; one submission).

Conditions:
Baraitser-Winter syndrome 1 (BRWS1). Also called: PACHYGYRIA, MENTAL RETARDATION, EPILEPSY, AND CHARACTERISTIC FACIES; MENTAL RETARDATION WITH EPILEPSY AND CHARACTERISTIC FACIES; Cerebrofrontofacial syndrome; BARAITSER-WINTER SYNDROME 1, ATYPICAL. Identifiers: Orphanet 2649, Orphanet 2995, MedGen C1855722, MONDO:0009470, OMIM 243310.

Submission:

Institute of Human Genetics, University of Goettingen
Classification: Uncertain significance for Baraitser-Winter syndrome 1. Last evaluated: 2022-05-20. Review status: criteria provided, single submitter. Criteria: ACMG Guidelines, 2015. Collection method: clinical testing. Allele origin: unknown. Inheritance: Autosomal dominant inheritance. Observed: 1 heterozygote.
Comment: For the following reasons, the ACTB sequence variant found is assessed by us as a "variant of unclear significance" (VUS): a comparison with the gnomAD browser did not provide any evidence that this sequence change is a norm variant that can also be detected in non-affected individuals. The mutation is not currently listed in ClinVar or the HGMD database; the mutation is located in a protein domain of ACTB and affects a highly conserved amino acid; the molecular diagnosis matches partial aspects of the patient's clinical symptoms; the mutation is independently classified as deleterious by three (MutationTaster, M-CAP, SIFT) prediction programs; the following ACMG criteria were used for classification: PM2, PP2.

NM_001101.5(ACTB):c.745A>T (p.Thr249Ser)

Gene: ACTB (actin beta; minus strand). Cytogenetic location: 7p22.1.
Variant type: single nucleotide variant.
Coding change: c.745A>T on transcript NM_001101.5 (MANE Select); coding-DNA position 745, A replaced by T.
Protein change: p.Thr249Ser; replaces threonine 249 with serine.
Molecular consequence: missense variant.
Genome position (GRCh38, 1-based): chr7:5,528,338, T>A on the plus strand (A>T on the coding strand, the complement: ACTB is on the minus strand). VCF-style: chr7-5528338-T-A. GRCh37 (hg19) VCF-style: chr7-5567969-T-A.
Other names: short protein forms T249S.
Identifiers: ClinVar variation 1684573 (VCV001684573.2), dbSNP rs2128241268, ClinGen allele CA366701959.